The following is an entry in ClinVar:

ClinVar aggregate classification (germline): Uncertain significance (1 of 4 stars; one submission).

Submission:

Greenwood Genetic Center Diagnostic Laboratories, Greenwood Genetic Center
Classification: Uncertain significance. Last evaluated: 2023-12-11. Review status: criteria provided, single submitter. Criteria: ACMG Guidelines, 2015. Collection method: clinical testing. Allele origin: germline. Affected: yes.
Comment: Gene of Uncertain Significance

NM_001395159.1(UNC79):c.2443C>T (p.Gln815Ter)

Gene: UNC79 (unc-79 homolog, NALCN channel complex subunit; plus strand). Cytogenetic location: 14q32.12.
Variant type: single nucleotide variant.
Coding change: c.2443C>T on transcript NM_001395159.1 (MANE Select); coding-DNA position 2443, C replaced by T.
Protein change: p.Gln815Ter; replaces glutamine 815 with a stop codon.
Molecular consequence: nonsense.
Genome position (GRCh38, 1-based): chr14:93,580,158, C>T. VCF-style: chr14-93580158-C-T. GRCh37 (hg19) VCF-style: chr14-94046504-C-T.
Other names: c.2443C>T, p.Gln815Ter (NM_001346218.2); c.1912C>T, p.Gln638Ter (NM_020818.5); short protein forms Q638*, Q815*.
Identifiers: ClinVar variation 2692496 (VCV002692496.1), dbSNP rs2548984389, ClinGen allele CA390804627.
Genomic context (GRCh38, chr14:93,580,158, plus strand): 5'-TCTTTTTTTTTTGTGTGTGTGTGCGTGTGTCCTTTTTTTGATGTCTTTCAGATGGAGTTA[C>T]AAGATGATGGAATCACGATGGGTTTAGAGCACAGCTTATCAAAGGACATTATTTCTATTA-3'